The following is an entry in ClinVar:

NM_139343.3(BIN1):c.1723A>T (p.Lys575Ter)

Gene: BIN1 (bridging integrator 1; minus strand). Cytogenetic location: 2q14.3.
Variant type: single nucleotide variant.
Coding change: c.1723A>T on transcript NM_139343.3 (MANE Select); coding-DNA position 1723, A replaced by T.
Protein change: p.Lys575Ter; replaces lysine 575 with a stop codon.
Molecular consequence: nonsense.
Genome position (GRCh38, 1-based): chr2:127,048,585, T>A on the plus strand (A>T on the coding strand, the complement: BIN1 is on the minus strand). VCF-style: chr2-127048585-T-A. GRCh37 (hg19) VCF-style: chr2-127806161-T-A.
Other names: c.1216A>T, p.Lys406Ter (NM_001320632.2); c.1354A>T, p.Lys452Ter (NM_001320633.2); c.1099A>T, p.Lys367Ter (NM_001320634.1); c.1483A>T, p.Lys495Ter (NM_001320640.2); c.1630A>T, p.Lys544Ter (NM_001320641.2); c.1642A>T, p.Lys548Ter (NM_001320642.1); c.1306A>T, p.Lys436Ter (NM_004305.4); c.1594A>T, p.Lys532Ter (NM_139344.3); and 7 more; short protein forms K575*, K436*, K367*, K488*, K500*, K532*, K406*, K464*.
Identifiers: ClinVar variation 8299 (VCV000008299.2), dbSNP rs121909275, ClinGen allele CA119460.

ClinVar aggregate classification (germline): Likely pathogenic. Review status: criteria provided, single submitter (1 of 4 stars). 2 submissions from 2 submitters: Likely pathogenic (1). 1 of the submissions does not count toward it. Last evaluated 2019-01-08.

Conditions:
Myopathy, centronuclear, 2 (CNM2). Also called: MYOTUBULAR MYOPATHY, AUTOSOMAL RECESSIVE. Identifiers: Orphanet 169186, MedGen CN031787, MONDO:0009709, OMIM 255200.

Submissions (2):

SIB Swiss Institute of Bioinformatics
Classification: Likely pathogenic for Myopathy, centronuclear, 2. Last evaluated: 2019-01-08. Review status: criteria provided, single submitter. Criteria: ACMG Guidelines, 2015. Collection method: curation. Allele origin: unknown.
Comment: This variant is interpreted as a Likely pathogenic for Myopathy, centronuclear, 2 autosomal recessive. The following ACMG Tag(s) were applied: PM2 : Absent from controls (or at extremely low frequency if recessive) in Exome Sequencing Project, 1000 Genomes Project, or Exome Aggregation Consortium. PS3 : Well-established functional studies show a deleterious effect (PMID:17676042).

OMIM
Classification: Pathogenic for MYOPATHY, CENTRONUCLEAR, 2. Last evaluated: 2007-09-01. Review status: no assertion criteria provided. Collection method: literature only. Allele origin: germline. Not counted in ClinVar's aggregate classification.

Literature cited by the submitters: PubMed 17676042 (cited by SIB Swiss Institute of Bioinformatics and OMIM).